The following is an entry in ClinVar:

NM_000088.4(COL1A1):c.3064G>A (p.Gly1022Ser)

Gene: COL1A1 (collagen type I alpha 1 chain; minus strand). Cytogenetic location: 17q21.33.
Variant type: single nucleotide variant.
Coding change: c.3064G>A on transcript NM_000088.4 (MANE Select); coding-DNA position 3064, G replaced by A.
Protein change: p.Gly1022Ser; replaces glycine 1022 with serine.
Molecular consequence: missense variant.
Genome position (GRCh38, 1-based): chr17:50,188,777, C>T on the plus strand (G>A on the coding strand, the complement: COL1A1 is on the minus strand). VCF-style: chr17-50188777-C-T. GRCh37 (hg19) VCF-style: chr17-48266138-C-T.
Other names: G844S; c.3064G>A (NM_000088.3); short protein forms G1022S.
Identifiers: ClinVar variation 17296 (VCV000017296.3), dbSNP rs66523073, ClinGen allele CA257842.

ClinVar aggregate classification (germline): Pathogenic. Review status: criteria provided, single submitter (1 of 4 stars). 2 submissions from 2 submitters: Pathogenic (1). 1 of the submissions does not count toward it. Last evaluated 2023-06-07.

Conditions:
COL1A1-related disorder. Also called: COL1A1-related condition; COL1A1- related disease.
Osteogenesis imperfecta type III (OI3). Also called: Osteogenesis imperfecta type 3; OI type 3; Osteogenesis imperfecta, progressively deforming with normal sclerae; OI type III; Progressively Deforming Osteogenesis Imperfecta. Identifiers: Orphanet 216812, Orphanet 666, MedGen C0268362, MONDO:0009804, OMIM 259420.

Submissions (2):

PreventionGenetics, part of Exact Sciences
Classification: Pathogenic for COL1A1-related condition. Last evaluated: 2023-06-07. Review status: criteria provided, single submitter. Criteria: ACMG Guidelines, 2015. Collection method: clinical testing. Allele origin: germline.
Comment: The COL1A1 c.3064G>A variant is predicted to result in the amino acid substitution p.Gly1022Ser. This variant has been reported in several individuals with osteogenesis imperfecta (Reported as Gly844Ser in Pack et al 1989. PubMed ID: 2511192; Chen CP et al 2012. PubMed ID: 23072183; Supp. Table 1, Patient PUMC-208 in Li L et al 2019. PubMed ID: 30715774). This variant is located in the conserved Gly-Xaa-Yaa triple helical domain where substitutions of a glycine are usually pathogenic (Residues 179-1192; Legacy nomenclature in Marini et al. 2007. PubMed ID: 17078022 indicates amino acids 1-1012; Symoens. 2014. PubMed ID: 25146735). This variant has not been reported in a large population database, indicating this variant is rare. This variant is interpreted as pathogenic.

OMIM
Classification: Pathogenic for OSTEOGENESIS IMPERFECTA, TYPE III. Last evaluated: 1989-11-25. Review status: no assertion criteria provided. Collection method: literature only. Allele origin: germline. Not counted in ClinVar's aggregate classification.

Literature cited by the submitters: PubMed 2511192 (cited by OMIM).